The following is an entry in ClinVar:

NM_020223.4(FAM20C):c.708C>A (p.Tyr236Ter)

Gene: FAM20C (FAM20C golgi associated secretory pathway kinase; plus strand). Cytogenetic location: 7p22.3.
Variant type: single nucleotide variant.
Coding change: c.708C>A on transcript NM_020223.4 (MANE Select); coding-DNA position 708, C replaced by A.
Protein change: p.Tyr236Ter; replaces tyrosine 236 with a stop codon.
Molecular consequence: nonsense.
Genome position (GRCh38, 1-based): chr7:195,656, C>A. VCF-style: chr7-195656-C-A. GRCh37 (hg19) VCF-style: chr7-195656-C-A.
Other names: short protein forms Y236*.
Identifiers: ClinVar variation 1434418 (VCV001434418.6), dbSNP rs545268162, ClinGen allele CA366518114.

ClinVar aggregate classification (germline): Pathogenic (1 of 4 stars; one submission).

Submission:

Labcorp Genetics (formerly Invitae), Labcorp
Classification: Pathogenic. Last evaluated: 2021-11-27. Review status: criteria provided, single submitter. Criteria: Invitae Variant Classification Sherloc (09022015). Collection method: clinical testing. Allele origin: germline.
Comment: For these reasons, this variant has been classified as Pathogenic. Algorithms developed to predict the effect of sequence changes on RNA splicing suggest that this variant may create or strengthen a splice site. This variant has not been reported in the literature in individuals affected with FAM20C-related conditions. This variant is not present in population databases (gnomAD no frequency). This sequence change creates a premature translational stop signal (p.Tyr236*) in the FAM20C gene. It is expected to result in an absent or disrupted protein product. Loss-of-function variants in FAM20C are known to be pathogenic (PMID: 17924334, 22615579, 22732358, 23325605, 25026495).

Literature cited by the submitters: PubMed 17924334; PubMed 22615579; PubMed 22732358; PubMed 23325605; PubMed 25026495.